The following is an entry in ClinVar:

ClinVar aggregate classification (germline): Pathogenic. Review status: criteria provided, multiple submitters, no conflicts (2 of 4 stars). 5 submissions from 5 submitters: Pathogenic (4). 1 of the submissions does not count toward it. Last evaluated 2025-04-20.

Conditions:
Niemann-Pick disease, type C1. Also called: NIEMANN-PICK DISEASE, VARIANT TYPE C1; NEUROVISCERAL STORAGE DISEASE WITH VERTICAL SUPRANUCLEAR OPHTHALMOPLEGIA; NIEMANN-PICK DISEASE WITH CHOLESTEROL ESTERIFICATION BLOCK; NIEMANN-PICK DISEASE WITHOUT SPHINGOMYELINASE DEFICIENCY; NIEMANN-PICK DISEASE, CHRONIC NEURONOPATHIC FORM. Identifiers: Orphanet 646, MedGen C3179455, MONDO:0009757, OMIM 257220.

Allele frequency attached by ClinVar (database versions not stated): gnomAD exomes below 0.00001.
gnomAD v4.1: 2 of 1,613,968 alleles (0.00012%); highest among the groups gnomAD compares: Admixed American, 0.0017%; no homozygotes.

Submissions (5):

Labcorp Genetics (formerly Invitae), Labcorp
Classification: Pathogenic for Niemann-Pick disease, type C1. Last evaluated: 2025-04-20. Review status: criteria provided, single submitter. Criteria: Invitae Variant Classification Sherloc (09022015). Collection method: clinical testing. Allele origin: germline.
Comment: This sequence change creates a premature translational stop signal (p.Arg1077*) in the NPC1 gene. It is expected to result in an absent or disrupted protein product. Loss-of-function variants in NPC1 are known to be pathogenic (PMID: 9211850). This variant is present in population databases (no rsID available, gnomAD 0.003%). This premature translational stop signal has been observed in individual(s) with Niemann-Pick type C (PMID: 27256227). ClinVar contains an entry for this variant (Variation ID: 289257). For these reasons, this variant has been classified as Pathogenic.

Natera, Inc.
Classification: Pathogenic for Niemann-Pick disease type C1. Last evaluated: 2025-02-03. Review status: criteria provided, single submitter. Criteria: Natera Variant Classification Schema (03/2026). Collection method: clinical testing. Allele origin: germline.
Comment: The c.3229C>T variant in NPC1 is a nonsense variant predicted to introduce a stop codon at amino acid 1077. This variant is expected to result in nonsense mediated decay, truncation, or a dysfunctional protein product. This variant is rare in the general population with a frequency below the threshold expected for the associated phenotype(s). This variant has been observed in one or more individuals affected with the associated recessive disease, as either homozygous or compound heterozygous with a second variant (PMID: 38131230). Functional studies show that this variant may disrupt protein function (PMID: 31754021). Given the available evidence, this variant is classified as Pathogenic.

Eurofins Ntd Llc (ga)
Classification: Pathogenic. Last evaluated: 2016-07-05. Review status: criteria provided, single submitter. Criteria: EGL Classification Definitions 2015. Collection method: clinical testing. Allele origin: germline. Observed: 3 variant alleles, 3 heterozygotes.

Juno Genomics, Hangzhou Juno Genomics, Inc
Classification: Pathogenic for Niemann-Pick disease, type C1. Review status: criteria provided, single submitter. Criteria: ACMG Guidelines, 2015. Collection method: clinical testing. Allele origin: germline. Affected: yes.
Comment: Absent from controls (or at extremely low frequency if recessive) in Genome Aggregation Database, Exome Sequencing Project, 1000 Genomes Project, or Exome Aggregation Consortium.;Null variant in a gene where loss of function (LOF) is a known mechanism of disease.;Patient's phenotype or family history is highly specific for a disease with a single genetic etiology.

Counsyl
Classification: Pathogenic for Niemann-Pick disease, type C1. Last evaluated: 2017-12-28. Review status: no assertion criteria provided. Collection method: clinical testing. Allele origin: unknown. Not counted in ClinVar's aggregate classification.

Literature cited by the submitters: PubMed 9211850 (cited by Labcorp Genetics (formerly Invitae), Labcorp); PubMed 27256227 (cited by Labcorp Genetics (formerly Invitae), Labcorp); PubMed 38131230 (cited by Natera, Inc.); PubMed 31754021 (cited by Natera, Inc.); PubMed 28130309 (cited by Counsyl).

NM_000271.5(NPC1):c.3229C>T (p.Arg1077Ter)

Gene: NPC1 (NPC intracellular cholesterol transporter 1; minus strand). Cytogenetic location: 18q11.2.
Variant type: single nucleotide variant.
Coding change: c.3229C>T on transcript NM_000271.5 (MANE Select); coding-DNA position 3229, C replaced by T.
Protein change: p.Arg1077Ter; replaces arginine 1077 with a stop codon.
Molecular consequence: nonsense.
Genome position (GRCh38, 1-based): chr18:23,536,689, G>A on the plus strand (C>T on the coding strand, the complement: NPC1 is on the minus strand). VCF-style: chr18-23536689-G-A. GRCh37 (hg19) VCF-style: chr18-21116653-G-A.
Other names: short protein forms R1077*.
Identifiers: ClinVar variation 289257 (VCV000289257.15), dbSNP rs750095738, ClinGen allele CA10606393.